The following is an entry in ClinVar:

NM_020975.6(RET):c.736C>G (p.His246Asp)

Gene: RET (ret proto-oncogene; plus strand). Cytogenetic location: 10q11.21.
Variant type: single nucleotide variant.
Coding change: c.736C>G on transcript NM_020975.6 (MANE Select); coding-DNA position 736, C replaced by G.
Protein change: p.His246Asp; replaces histidine 246 with aspartic acid.
Molecular consequence: missense variant. On other transcripts: 5 prime UTR variant (1), intron variant (22).
Genome position (GRCh38, 1-based): chr10:43,105,062, C>G. VCF-style: chr10-43105062-C-G. GRCh37 (hg19) VCF-style: chr10-43600510-C-G.
Other names: c.736C>G, p.His246Asp (NM_000323.2, NM_001406743.1, NM_001406744.1 and 8 more transcripts); c.-27C>G (NM_001355216.2); c.607C>G, p.His203Asp (NM_001406761.1, NM_001406762.1, NM_001406764.1 and 2 more transcripts); c.448C>G, p.His150Asp (NM_001406766.1, NM_001406767.1, NM_001406770.1); c.625+2433C>G (NM_001406773.1, NM_001406771.1, NM_001406782.1 and 5 more transcripts); c.496+2433C>G (NM_001406786.1, NM_001406783.1); c.338-3969C>G (NM_001406778.1, NM_001406775.1, NM_001406776.1 and 1 more transcripts); c.337+4340C>G (NM_001406790.1, NM_001406788.1, NM_001406789.1 and 1 more transcripts); and 2 more; short protein forms H150D, H203D, H246D.
Identifiers: ClinVar variation 3227567 (VCV003227567.2), dbSNP rs780756440, ClinGen allele CA044663.

ClinVar aggregate classification (germline): Conflicting classifications of pathogenicity. Review status: criteria provided, conflicting classifications (1 of 4 stars). 2 submissions from 2 submitters: Uncertain significance (1); Likely benign (1). Last evaluated 2025-07-29.

Conditions:
Multiple endocrine neoplasia, type 2 (MEN2). Identifiers: Orphanet 653, MedGen C4048306, MONDO:0019003. Disease mechanism: gain of function.
Hereditary cancer-predisposing syndrome. Also called: Neoplastic Syndromes, Hereditary; Tumor predisposition; Hereditary neoplastic syndrome; Hereditary Cancer Syndrome. Identifiers: Orphanet 140162, MedGen C0027672, MeSH D009386, MONDO:0015356.

gnomAD v4.1: 1 of 1,609,754 alleles (0.000062%); highest among the groups gnomAD compares: African/African-American, 0.0013%; no homozygotes.

Submissions (2):

Labcorp Genetics (formerly Invitae), Labcorp
Classification: Uncertain significance for Multiple endocrine neoplasia, type 2. Last evaluated: 2025-07-29. Review status: criteria provided, single submitter. Criteria: Invitae Variant Classification Sherloc (09022015). Collection method: clinical testing. Allele origin: germline.
Comment: This sequence change replaces histidine, which is basic and polar, with aspartic acid, which is acidic and polar, at codon 246 of the RET protein (p.His246Asp). This variant is present in population databases (rs780756440, gnomAD 0.01%). This variant has not been reported in the literature in individuals affected with RET-related conditions. ClinVar contains an entry for this variant (Variation ID: 3227567). An algorithm developed to predict the effect of missense changes on protein structure and function (PolyPhen-2) suggests that this variant is likely to be tolerated. In summary, the available evidence is currently insufficient to determine the role of this variant in disease. Therefore, it has been classified as a Variant of Uncertain Significance.

Ambry Genetics
Classification: Likely benign for Hereditary cancer-predisposing syndrome. Last evaluated: 2024-02-27. Review status: criteria provided, single submitter. Criteria: Ambry Variant Classification Scheme 2023. Collection method: clinical testing. Allele origin: germline.